The following is an entry in ClinVar:

ClinVar aggregate classification (germline): Uncertain significance (1 of 4 stars; one submission).

Conditions:
GNAS-related disorder. Identifiers: MedGen CN380105.

gnomAD v4.1: 4 of 1,596,680 alleles (0.00025%); highest among the groups gnomAD compares: Non-Finnish European, 0.00034%; no homozygotes.

Submission:

PreventionGenetics, part of Exact Sciences
Classification: Uncertain significance for GNAS-related condition. Last evaluated: 2025-12-09. Review status: criteria provided, single submitter. Criteria: ACMG Guidelines, 2015. Collection method: clinical testing. Allele origin: germline.
Comment: The GNAS c.1412C>T variant is predicted to result in the amino acid substitution p.Pro471Leu. To our knowledge, this variant has not been reported in the literature. This variant is reported in 0.0088% of alleles in individuals of African descent in gnomAD. At this time, the clinical significance of this variant is uncertain due to the absence of conclusive functional and genetic evidence.

NM_080425.4(GNAS):c.1599C>T (p.Pro533=)

Gene: GNAS (GNAS complex locus; plus strand). Cytogenetic location: 20q13.32.
Variant type: single nucleotide variant.
Coding change: c.1599C>T on transcript NM_080425.4 (MANE Plus Clinical); coding-DNA position 1599, C replaced by T.
Protein change: p.Pro533=; no amino-acid change (proline 533 retained).
Molecular consequence: synonymous variant. On other transcripts: missense variant (2), intron variant (3).
Genome position (GRCh38, 1-based): chr20:58,854,864, C>T. VCF-style: chr20-58854864-C-T. GRCh37 (hg19) VCF-style: chr20-57429919-C-T.
Other names: c.1412C>T, p.Pro471Leu (NM_001077490.3, NM_001309883.1); c.1599C>T, p.Pro533= (NM_001410913.1); c.*42+13978C>T (NM_016592.5); c.43+13978C>T (NM_001410912.1); c.-39+12989C>T (NM_001309861.2); short protein forms P471L.
Identifiers: ClinVar variation 4984876 (VCV004984876.1).